The following is an entry in ClinVar:

ClinVar aggregate classification (germline): Conflicting classifications of pathogenicity. Review status: criteria provided, conflicting classifications (1 of 4 stars). 3 submissions from 3 submitters: Uncertain significance (2); Likely benign (1). Last evaluated 2025-06-12.

Conditions:
Rubinstein-Taybi syndrome (RSTS). Identifiers: Orphanet 783, MedGen C0035934, MONDO:0019188.
Rubinstein-Taybi syndrome due to CREBBP mutations (RSTS1). Also called: RUBINSTEIN-TAYBI SYNDROME 1, INCOMPLETE; BROAD THUMB-HALLUX SYNDROME; RUBINSTEIN SYNDROME; Rubinstein-Taybi syndrome 1; BROAD THUMBS AND GREAT TOES, CHARACTERISTIC FACIES, AND IMPAIRED INTELLECTUAL DEVELOPMENT; CREBBP-Related Rubinstein-Taybi Syndrome. Identifiers: Orphanet 353277, Orphanet 783, MedGen C4551859, MONDO:0008393, OMIM 180849.

Allele frequency attached by ClinVar (database versions not stated): TOPMed below 0.00001; gnomAD 0.00001.
gnomAD v4.1: 5 of 1,613,906 alleles (0.00031%); highest among the groups gnomAD compares: Admixed American, 0.0017%; no homozygotes.

Submissions (3):

Labcorp Genetics (formerly Invitae), Labcorp
Classification: Likely benign for Rubinstein-Taybi syndrome. Last evaluated: 2025-06-12. Review status: criteria provided, single submitter. Criteria: Invitae Variant Classification Sherloc (09022015). Collection method: clinical testing. Allele origin: germline.

Dasa
Classification: Uncertain significance. Last evaluated: 2024-12-26. Review status: criteria provided, single submitter. Criteria: DASA Assertion Criteria. Collection method: clinical testing. Allele origin: germline.
Comment: NM_004380.3(CREBBP):c.3893A>G (p.Tyr1298Cys) is a missense variant that results in the substitution of tyrosine with cysteine. This variant is rare in population databases. Computational prediction algorithms are consistent with a deleterious effect. The currently available literature and clinical evidence are not sufficient to establish a definitive association between this variant and the reported condition. Therefore, this variant is classified as a variant of uncertain significance.

New York Genome Center
Classification: Uncertain significance for Rubinstein-Taybi syndrome due to CREBBP mutations. Last evaluated: 2020-06-19. Review status: criteria provided, single submitter. Criteria: NYGC Assertion Criteria 2020. Collection method: clinical testing. Allele origin: inherited. Observed: 1 heterozygote. Study: CSER-NYCKidSeq.
Comment: The inherited c.3893A>G (p.Tyr1298Cys) variant identified in the CREBBP gene substitutes a well conserved Tyrosine for Cystine at amino acid 1298/2443 (coding exon 22/31). This variant is found with low frequency in gnomAD (1 heterozygote, 0 homozygotes; allele frequency: 6.98e-6) suggesting it is not a common benign variant in the populations represented in that database. In silico algorithms do not agree on the effect of this variant, as it is predicted Damaging (Provean; score: -4.1), Tolerated (SIFT; score: 0.121) and Pathogenic (REVEL; score: 0.862) to the function of the canonical transcript. This variant is absent from ClinVar and to our current knowledge has not been reported in affected individuals in the literature. The p.Tyr1298 residue is not within a mapped domain of CREBBP (UniProtKB:Q92793). Given the lack of compelling evidence for its pathogenicity, the inherited c.3893A>G (p.Tyr1298Cys) variant identified in the CREBBP gene is reported here as a Variant of Uncertain Significance.

NM_004380.3(CREBBP):c.3893A>G (p.Tyr1298Cys)

Gene: CREBBP (CREB binding lysine acetyltransferase; minus strand). Cytogenetic location: 16p13.3.
Variant type: single nucleotide variant.
Coding change: c.3893A>G on transcript NM_004380.3 (MANE Select); coding-DNA position 3893, A replaced by G.
Protein change: p.Tyr1298Cys; replaces tyrosine 1298 with cysteine.
Molecular consequence: missense variant.
Genome position (GRCh38, 1-based): chr16:3,745,298, T>C on the plus strand (A>G on the coding strand, the complement: CREBBP is on the minus strand). VCF-style: chr16-3745298-T-C. GRCh37 (hg19) VCF-style: chr16-3795299-T-C.
Other names: c.3779A>G, p.Tyr1260Cys (NM_001079846.1); short protein forms Y1260C, Y1298C.
Identifiers: ClinVar variation 1098576 (VCV001098576.4), dbSNP rs773159964, ClinGen allele CA394566762.